The following is an entry in ClinVar:

ClinVar aggregate classification (germline): Uncertain significance (1 of 4 stars; one submission).

Conditions:
Arrhythmogenic right ventricular dysplasia 8 (ARVD8). Also called: ARRHYTHMOGENIC RIGHT VENTRICULAR DYSPLASIA, FAMILIAL, 8; ARRHYTHMOGENIC RIGHT VENTRICULAR CARDIOMYOPATHY 8; Arrhythmogenic Right Ventricular Dysplasia/Cardiomyopathy 8. Identifiers: MedGen C1843896, MONDO:0011831, OMIM 607450.
Arrhythmogenic cardiomyopathy with wooly hair and keratoderma. Also called: PALMOPLANTAR KERATODERMA WITH LEFT VENTRICULAR CARDIOMYOPATHY AND WOOLLY HAIR; Carvajal syndrome; Dilated cardiomyopathy with woolly hair and keratoderma; Arrhythmogenic cardiomyopathy with woolly hair and keratoderma. Identifiers: Orphanet 65282, MedGen C1854063, MONDO:0011581, OMIM 605676.

gnomAD v4.1: 1 of 1,614,106 alleles (0.000062%); no homozygotes.

Submission:

Labcorp Genetics (formerly Invitae), Labcorp
Classification: Uncertain significance for Arrhythmogenic cardiomyopathy with wooly hair and keratoderma; Arrhythmogenic right ventricular dysplasia 8. Last evaluated: 2021-02-03. Review status: criteria provided, single submitter. Criteria: Invitae Variant Classification Sherloc (09022015). Collection method: clinical testing. Allele origin: germline.
Comment: In summary, the available evidence is currently insufficient to determine the role of this variant in disease. Therefore, it has been classified as a Variant of Uncertain Significance. Algorithms developed to predict the effect of missense changes on protein structure and function (SIFT, PolyPhen-2, Align-GVGD) all suggest that this variant is likely to be disruptive, but these predictions have not been confirmed by published functional studies and their clinical significance is uncertain. This variant has not been reported in the literature in individuals with DSP-related conditions. This variant is not present in population databases (ExAC no frequency). This sequence change replaces arginine with serine at codon 866 of the DSP protein (p.Arg866Ser). The arginine residue is highly conserved and there is a moderate physicochemical difference between arginine and serine.

NM_004415.4(DSP):c.2596C>A (p.Arg866Ser)

Gene: DSP (desmoplakin; plus strand). Cytogenetic location: 6p24.3.
Variant type: single nucleotide variant.
Coding change: c.2596C>A on transcript NM_004415.4 (MANE Select); coding-DNA position 2596, C replaced by A.
Protein change: p.Arg866Ser; replaces arginine 866 with serine.
Molecular consequence: missense variant.
Genome position (GRCh38, 1-based): chr6:7,575,454, C>A. VCF-style: chr6-7575454-C-A. GRCh37 (hg19) VCF-style: chr6-7575687-C-A.
Other names: c.2596C>A, p.Arg866Ser (NM_001008844.3, NM_001319034.2); short protein forms R866S.
Identifiers: ClinVar variation 1428751 (VCV001428751.8), dbSNP rs142429411, ClinGen allele CA362681688.